The following is an entry in ClinVar:

NM_005012.4(ROR1):c.1693A>G (p.Ile565Val)

Gene: ROR1 (receptor tyrosine kinase like orphan receptor 1; plus strand). Cytogenetic location: 1p31.3.
Variant type: single nucleotide variant.
Coding change: c.1693A>G on transcript NM_005012.4 (MANE Select); coding-DNA position 1693, A replaced by G.
Protein change: p.Ile565Val; replaces isoleucine 565 with valine.
Molecular consequence: missense variant.
Genome position (GRCh38, 1-based): chr1:64,177,734, A>G. VCF-style: chr1-64177734-A-G. GRCh37 (hg19) VCF-style: chr1-64643417-A-G.
Other names: c.1693A>G (NM_005012.2); short protein forms I565V.
Identifiers: ClinVar variation 1461633 (VCV001461633.7), dbSNP rs140939080, ClinGen allele CA890321.

ClinVar aggregate classification (germline): Uncertain significance. Review status: criteria provided, multiple submitters, no conflicts (2 of 4 stars). 2 submissions from 2 submitters: Uncertain significance (2). Last evaluated 2023-12-27.

Allele frequency attached by ClinVar (database versions not stated): gnomAD exomes 0.00009; ExAC 0.00011; ESP Exome Variant Server 0.00023.
gnomAD v4.1: 148 of 1,614,096 alleles (0.0092%); highest among the groups gnomAD compares: South Asian, 0.013%; no homozygotes.

Submissions (2):

Ambry Genetics
Classification: Uncertain significance. Last evaluated: 2023-12-27. Review status: criteria provided, single submitter. Criteria: Ambry Variant Classification Scheme 2023. Collection method: clinical testing. Allele origin: germline.

Labcorp Genetics (formerly Invitae), Labcorp
Classification: Uncertain significance. Last evaluated: 2022-03-10. Review status: criteria provided, single submitter. Criteria: Invitae Variant Classification Sherloc (09022015). Collection method: clinical testing. Allele origin: germline.
Comment: This sequence change replaces isoleucine, which is neutral and non-polar, with valine, which is neutral and non-polar, at codon 565 of the ROR1 protein (p.Ile565Val). In summary, the available evidence is currently insufficient to determine the role of this variant in disease. Therefore, it has been classified as a Variant of Uncertain Significance. Algorithms developed to predict the effect of missense changes on protein structure and function (SIFT, PolyPhen-2, Align-GVGD) all suggest that this variant is likely to be tolerated. This variant has not been reported in the literature in individuals affected with ROR1-related conditions. This variant is present in population databases (rs140939080, gnomAD 0.02%).